The following is an entry in ClinVar:

NM_006019.4(TCIRG1):c.940_956delinsTCGGCACAAG (p.Thr314fs)

Gene: TCIRG1 (T cell immune regulator 1, ATPase H+ transporting V0 subunit a3; plus strand). Cytogenetic location: 11q13.2.
Variant type: Indel.
Coding change: c.940_956delinsTCGGCACAAG on transcript NM_006019.4 (MANE Select); coding-DNA positions 940 to 956, ACGCACAAGTGCCTCAT replaced by TCGGCACAAG.
Protein change: p.Thr314fs; shifts the reading frame from threonine 314.
Molecular consequence: frameshift variant.
Genome position (GRCh38, 1-based): chr11:68,044,264-68,044,280, ACGCACAAGTGCCTCAT replaced by TCGGCACAAG. VCF-style: chr11-68044264-ACGCACAAGTGCCTCAT-TCGGCACAAG. GRCh37 (hg19) VCF-style: chr11-67811731-ACGCACAAGTGCCTCAT-TCGGCACAAG.
Other names: c.46_62delinsTCGGCACAAG, p.Thr16fs (NM_001351059.2); c.292_308delinsTCGGCACAAG, p.Thr98fs (NM_006053.4); short protein forms T16fs, T314fs, T98fs.
Identifiers: ClinVar variation 3382029 (VCV003382029.2).

ClinVar aggregate classification (germline): Pathogenic (1 of 4 stars; one submission).

Conditions:
Autosomal recessive osteopetrosis 1. Also called: ALBERS-SCHONBERG DISEASE, AUTOSOMAL RECESSIVE; TCIRG1-Related Osteopetrosis; TCIRG1-Related Autosomal Recessive Osteopetrosis. Identifiers: Orphanet 667, MedGen C1850127, MONDO:0009815, OMIM 259700.

Submission:

Juno Genomics, Hangzhou Juno Genomics, Inc
Classification: Pathogenic for Autosomal recessive osteopetrosis 1. Review status: criteria provided, single submitter. Criteria: ACMG Guidelines, 2015. Collection method: clinical testing. Allele origin: germline. Affected: yes.
Comment: Absent from controls (or at extremely low frequency if recessive) in Genome Aggregation Database, Exome Sequencing Project, 1000 Genomes Project, or Exome Aggregation Consortium.;Null variant in a gene where loss of function (LOF) is a known mechanism of disease.;For recessive disorders, detected in trans with a pathogenic variant.;Patient's phenotype or family history is highly specific for a disease with a single genetic etiology.